The following is an entry in ClinVar:

ClinVar aggregate classification (germline): Pathogenic. Review status: criteria provided, multiple submitters, no conflicts (2 of 4 stars). 5 submissions from 5 submitters: Pathogenic (4). 1 of the submissions does not count toward it. Last evaluated 2024-06-07.

Conditions:
Mucopolysaccharidosis, MPS-II (MPS2). Also called: Mucopolysaccharidosis type 2; Hunter Syndrome; IDURONATE 2-SULFATASE DEFICIENCY; Mucopolysaccharidosis Type II; IDS deficiency; Sulfoiduronate sulfatase deficiency. Identifiers: Orphanet 580, Orphanet 79388, MedGen C0026705, MONDO:0010674, OMIM 309900.

Submissions (6):

Laboratory of Diagnosis and Therapy of Lysosomal Disorders, University of Padova
Classification: Pathogenic for Mucopolysaccharidosis, MPS-II. Last evaluated: 2024-06-07. Review status: criteria provided, single submitter. Criteria: ACMG Guidelines, 2015. Collection method: literature only. Allele origin: germline. Affected: yes. Observed: 5 variant alleles.
Comment: Null variant (PVS1_VeryStrong), Prevalence of the variant significantly increased in affected individuals compared with controls (PS4_Supporting), Absent from controls (or at low frequency) in gnomAD database (PM2_Moderate), Patient’s phenotype or family history highly specific for the disease (PP4_Moderate)

Classification method: ACMG Guidelines [PMID:25741868] with modifications

Genome-Nilou Lab
Classification: Pathogenic for Mucopolysaccharidosis, MPS-II. Last evaluated: 2021-09-05. Review status: criteria provided, single submitter. Criteria: ACMG Guidelines, 2015. Collection method: clinical testing. Allele origin: germline. Affected: no.

Foundation for Research in Genetics and Endocrinology, FRIGE's Institute of Human Genetics
Classification: Pathogenic for Mucopolysaccharidosis, MPS-II. Last evaluated: 2021-03-18. Review status: criteria provided, single submitter. Criteria: ACMG Guidelines, 2015. Collection method: clinical testing. Allele origin: germline. Inheritance: X-linked recessive inheritance. Affected: yes. Observed: 1 variant allele, 1 hemizygote.
Comment: A hemizygous 3â€™ splice site variation in intron 7 of the IDS gene that affects the invariant AG acceptor splice site upstream of exon 8 was detected. The observed variant c.1006+1G>A has not been reported in the 1000 genomes and gnomAD databases. The in silico prediction of the variant is damaging by MutationTaster and DANN. In summary, the variant meets our criteria to be classified as pathogenic.

Department of Medical Genetics, Sanjay Gandhi Post Graduate Institute of Medical Sciences
Classification: Pathogenic for Mucopolysaccharidosis, MPS-II. Review status: criteria provided, single submitter. Criteria: ACMG Guidelines, 2015. Collection method: clinical testing. Allele origin: maternal. Inheritance: X-linked recessive inheritance. Affected: yes. Observed: 1 variant allele, 1 hemizygote.

Division of Medical Genetics, Department of Pediatrics, All India Institute of Medical Sciences, New Delhi
Classification: Affects for Mucopolysaccharidosis, MPS-II. Last evaluated: 2014-04-11. Review status: no assertion criteria provided. Collection method: research. Allele origin: germline. Inheritance: X-linked recessive inheritance. Affected: yes. Observed: 1 variant allele, 1 hemizygote. Not counted in ClinVar's aggregate classification.
Comment: The change c.1006+1G>A is a known splice donor variant. This mutation was due to the substitution of G to A at nucleotide position c.1006+1 in the intron 7 of IDS gene. It was also reported in databases dbSNP (rs869025308) and HGMD (CX931238).

Dr. Peter K. Rogan Lab, Western University
No classification provided (evidence only). Condition: Thyroid cancer, nonmedullary, 1. Review status: no classification provided. Collection method: in vitro. Allele origin: not applicable. Functional consequence: retained intron. Not counted in ClinVar's aggregate classification.

Literature cited by the submitters: PubMed 35144014 (cited by Laboratory of Diagnosis and Therapy of Lysosomal Disorders, University of Padova); PubMed 33960103 (cited by Laboratory of Diagnosis and Therapy of Lysosomal Disorders, University of Padova); PubMed 36713083 (cited by Laboratory of Diagnosis and Therapy of Lysosomal Disorders, University of Padova); PubMed 36945845 (cited by Laboratory of Diagnosis and Therapy of Lysosomal Disorders, University of Padova).

NM_000202.8(IDS):c.1006+1G>A

Genes: IDS (iduronate 2-sulfatase; minus strand), LOC106050102 (IDS recombination region; plus strand). Cytogenetic location: Xq28.
Variant type: single nucleotide variant.
Coding change: c.1006+1G>A on transcript NM_000202.8 (MANE Select); the canonical splice donor site of the intron after coding-DNA position 1006, G replaced by A.
Molecular consequence: splice donor variant.
Genome position (GRCh38, 1-based): chrX:149,490,313, C>T on the plus strand (G>A on the coding strand, the complement: IDS is on the minus strand). VCF-style: chrX-149490313-C-T. GRCh37 (hg19) VCF-style: chrX-148571844-C-T.
Other names: NC_000023.10:g.148571844C>T; c.736+1G>A (NM_001166550.4); c.1006+1G>A (NM_006123.5).
Identifiers: ClinVar variation 997024 (VCV000997024.9), dbSNP rs869025308, ClinGen allele CA414519802.